The following is an entry in ClinVar:

NM_000090.4(COL3A1):c.1978-9A>G

Gene: COL3A1 (collagen type III alpha 1 chain; plus strand). Cytogenetic location: 2q32.2.
Variant type: single nucleotide variant.
Coding change: c.1978-9A>G on transcript NM_000090.4 (MANE Select); 9 bases into the intron before coding-DNA position 1978, A replaced by G.
Molecular consequence: intron variant.
Genome position (GRCh38, 1-based): chr2:188,998,665, A>G. VCF-style: chr2-188998665-A-G. GRCh37 (hg19) VCF-style: chr2-189863391-A-G.
Identifiers: ClinVar variation 1307590 (VCV001307590.2), dbSNP rs2153502938, ClinGen allele CA2573051817.
Genomic context (GRCh38, chr2:188,998,665, plus strand): 5'-ACATATTTGCTTATATTTACATAAAATGCACTCTGATATGGGCCTAATCATATAATGCCA[A>G]TCTCCCAGGGTCCAAAGGGTGATGCCGGTGCACCTGGAGCTCCAGGAGGCAAGGTAGTAT-3'

ClinVar aggregate classification (germline): Uncertain significance (1 of 4 stars; one submission).

Submission:

GeneDx
Classification: Uncertain significance. Last evaluated: 2021-06-23. Review status: criteria provided, single submitter. Criteria: GeneDx Variant Classification Process June 2021. Collection method: clinical testing. Allele origin: germline. Affected: yes.
Comment: Has not been previously published as pathogenic or benign to our knowledge; Not observed at significant frequency in large population cohorts (Lek et al., 2016); In-silico analysis, which includes splice predictors and evolutionary conservation, is inconclusive as to whether the variant alters gene splicing. In the absence of RNA/functional studies, the actual effect of this sequence change is unknown.; This variant is associated with the following publications: (PMID: 27535533)